The following is an entry in ClinVar:

NM_016333.4(SRRM2):c.910G>T (p.Gly304Trp)

Gene: SRRM2 (serine/arginine repetitive matrix 2; plus strand). Cytogenetic location: 16p13.3.
Variant type: single nucleotide variant.
Coding change: c.910G>T on transcript NM_016333.4 (MANE Select); coding-DNA position 910, G replaced by T.
Protein change: p.Gly304Trp; replaces glycine 304 with tryptophan.
Molecular consequence: missense variant.
Genome position (GRCh38, 1-based): chr16:2,760,377, G>T. VCF-style: chr16-2760377-G-T. GRCh37 (hg19) VCF-style: chr16-2810378-G-T.
Other names: short protein forms G304W.
Identifiers: ClinVar variation 4874357 (VCV004874357.2).

ClinVar aggregate classification (germline): Likely benign (1 of 4 stars; one submission).

gnomAD v4.1: 50 of 1,613,950 alleles (0.0031%); highest among the groups gnomAD compares: Admixed American, 0.08%; no homozygotes.

Submission:

CeGaT Center for Human Genetics Tuebingen
Classification: Likely benign. Last evaluated: 2026-04-01. Review status: criteria provided, single submitter. Criteria: CeGaT Center For Human Genetics Tuebingen Variant Classification Criteria Version 2. Collection method: clinical testing. Allele origin: germline. Affected: yes. Observed: 1 variant allele.
Comment: SRRM2: BP4